The following is an entry in ClinVar:

ClinVar aggregate classification (germline): Likely pathogenic (1 of 4 stars; one submission).

Submission:

Labcorp Genetics (formerly Invitae), Labcorp
Classification: Likely pathogenic. Last evaluated: 2021-10-05. Review status: criteria provided, single submitter. Criteria: Invitae Variant Classification Sherloc (09022015). Collection method: clinical testing. Allele origin: germline.
Comment: In summary, the currently available evidence indicates that the variant is pathogenic, but additional data are needed to prove that conclusively. Therefore, this variant has been classified as Likely Pathogenic. This variant disrupts the p.Val86 amino acid residue in BEST1. Other variant(s) that disrupt this residue have been determined to be pathogenic (PMID: 15452077, 24560797; Invitae). This suggests that this residue is clinically significant, and that variants that disrupt this residue are likely to be disease-causing. Advanced modeling of protein sequence and biophysical properties (such as structural, functional, and spatial information, amino acid conservation, physicochemical variation, residue mobility, and thermodynamic stability) performed at Invitae indicates that this missense variant is expected to disrupt BEST1 protein function. This variant has not been reported in the literature in individuals affected with BEST1-related conditions. The frequency data for this variant in the population databases is considered unreliable, as metrics indicate insufficient coverage at this position in the ExAC database. This sequence change replaces valine with alanine at codon 86 of the BEST1 protein (p.Val86Ala). The valine residue is highly conserved and there is a small physicochemical difference between valine and alanine.

Literature cited by the submitters: PubMed 15452077; PubMed 24560797.

NM_004183.4(BEST1):c.257T>C (p.Val86Ala)

Gene: BEST1 (bestrophin 1; plus strand). Cytogenetic location: 11q12.3.
Variant type: single nucleotide variant.
Coding change: c.257T>C on transcript NM_004183.4 (MANE Select); coding-DNA position 257, T replaced by C.
Protein change: p.Val86Ala; replaces valine 86 with alanine.
Molecular consequence: missense variant. On other transcripts: non-coding transcript variant (1).
Genome position (GRCh38, 1-based): chr11:61,955,727, T>C. VCF-style: chr11-61955727-T-C. GRCh37 (hg19) VCF-style: chr11-61723199-T-C.
Other names: c.257T>C, p.Val86Ala (NM_001363592.2); c.-919T>C (NM_001363593.3); c.77T>C, p.Val26Ala (NM_001139443.3, NM_001300786.2, NM_001300787.2); c.-62T>C (NM_001363591.3); short protein forms V26A, V86A.
Identifiers: ClinVar variation 1484101 (VCV001484101.6), dbSNP rs2134429825, ClinGen allele CA380833960.